The following is an entry in ClinVar:

ClinVar aggregate classification (germline): Uncertain significance. Review status: criteria provided, multiple submitters, no conflicts (2 of 4 stars). 2 submissions from 2 submitters: Uncertain significance (2). Last evaluated 2025-08-22.

Allele frequency attached by ClinVar (database versions not stated): gnomAD 0.00004; gnomAD exomes 0.00004 and 0.00013; ExAC 0.00007; TOPMed 0.00014; 1000 Genomes Project 30x 0.00016; 1000 Genomes Project 0.00020.
gnomAD v4.1: 67 of 1,614,024 alleles (0.0042%); highest among the groups gnomAD compares: Admixed American, 0.073%; no homozygotes.

Submissions (2):

Ambry Genetics
Classification: Uncertain significance. Last evaluated: 2025-08-22. Review status: criteria provided, single submitter. Criteria: Ambry Variant Classification Scheme 2023. Collection method: clinical testing. Allele origin: germline.

Labcorp Genetics (formerly Invitae), Labcorp
Classification: Uncertain significance. Last evaluated: 2024-02-26. Review status: criteria provided, single submitter. Criteria: Invitae Variant Classification Sherloc (09022015). Collection method: clinical testing. Allele origin: germline.
Comment: This sequence change replaces arginine, which is basic and polar, with cysteine, which is neutral and slightly polar, at codon 623 of the FAM186B protein (p.Arg623Cys). This variant is present in population databases (rs201041491, gnomAD 0.09%), and has an allele count higher than expected for a pathogenic variant. This variant has not been reported in the literature in individuals affected with FAM186B-related conditions. ClinVar contains an entry for this variant (Variation ID: 1431131). Algorithms developed to predict the effect of missense changes on protein structure and function output the following: SIFT: "Not Available"; PolyPhen-2: "Benign"; Align-GVGD: "Not Available". The cysteine amino acid residue is found in multiple mammalian species, which suggests that this missense change does not adversely affect protein function. In summary, the available evidence is currently insufficient to determine the role of this variant in disease. Therefore, it has been classified as a Variant of Uncertain Significance.

NM_032130.3(FAM186B):c.1867C>T (p.Arg623Cys)

Gene: FAM186B (family with sequence similarity 186 member B; minus strand). Cytogenetic location: 12q13.12.
Variant type: single nucleotide variant.
Coding change: c.1867C>T on transcript NM_032130.3 (MANE Select); coding-DNA position 1867, C replaced by T.
Protein change: p.Arg623Cys; replaces arginine 623 with cysteine.
Molecular consequence: missense variant. On other transcripts: non-coding transcript variant (1).
Genome position (GRCh38, 1-based): chr12:49,599,773, G>A on the plus strand (C>T on the coding strand, the complement: FAM186B is on the minus strand). VCF-style: chr12-49599773-G-A. GRCh37 (hg19) VCF-style: chr12-49993556-G-A.
Other names: c.1867C>T (NM_032130.2); short protein forms R623C.
Identifiers: ClinVar variation 1431131 (VCV001431131.8), dbSNP rs201041491, ClinGen allele CA6554611.